The following is an entry in ClinVar:

ClinVar aggregate classification (germline): Uncertain significance. Review status: criteria provided, multiple submitters, no conflicts (2 of 4 stars). 4 submissions from 4 submitters: Uncertain significance (4). Last evaluated 2025-06-17.

Conditions:
Hereditary breast ovarian cancer syndrome. Also called: Hereditary breast and ovarian cancer syndrome (HBOC); Hereditary breast and ovarian cancer; BRCA1- and BRCA2-Associated Hereditary Breast and Ovarian Cancer; Breast and ovarian cancer; Hereditary breast and ovarian cancer syndrome; Hereditary breast and/or ovarian cancer syndrome. Identifiers: Orphanet 145, MedGen C0677776, MeSH D061325, MONDO:0003582. Disease mechanism: loss of function.
Breast-ovarian cancer, familial, susceptibility to, 1 (BROVCA1). Also called: OVARIAN CANCER, SUSCEPTIBILITY TO; BRCA1 Hereditary Breast and Ovarian Cancer. Identifiers: Orphanet 145, MedGen C2676676, MONDO:0011450, OMIM 604370. Disease mechanism: loss of function.
Hereditary cancer-predisposing syndrome. Also called: Hereditary neoplastic syndrome; Tumor predisposition; Hereditary Cancer Syndrome; Neoplastic Syndromes, Hereditary. Identifiers: Orphanet 140162, MedGen C0027672, MeSH D009386, MONDO:0015356.

Submissions (4):

Labcorp Genetics (formerly Invitae), Labcorp
Classification: Uncertain significance for Hereditary breast ovarian cancer syndrome. Last evaluated: 2025-06-17. Review status: criteria provided, single submitter. Criteria: Invitae Variant Classification Sherloc (09022015). Collection method: clinical testing. Allele origin: germline.
Comment: This sequence change falls in intron 9 of the BRCA1 gene. It does not directly change the encoded amino acid sequence of the BRCA1 protein. It affects a nucleotide within the consensus splice site. This variant is not present in population databases (gnomAD no frequency). This variant has not been reported in the literature in individuals affected with BRCA1-related conditions. ClinVar contains an entry for this variant (Variation ID: 631453). Variants that disrupt the consensus splice site are a relatively common cause of aberrant splicing (PMID: 17576681, 9536098). Algorithms developed to predict the effect of sequence changes on RNA splicing suggest that this variant may disrupt the consensus splice site. In summary, the available evidence is currently insufficient to determine the role of this variant in disease. Therefore, it has been classified as a Variant of Uncertain Significance.

All of Us Research Program, National Institutes of Health
Classification: Uncertain significance for Breast-ovarian cancer, familial, susceptibility to, 1. Last evaluated: 2023-09-17. Review status: criteria provided, single submitter. Criteria: ACMG Guidelines, 2015. Collection method: clinical testing. Allele origin: germline. Inheritance: Autosomal dominant inheritance. Observed: 1 variant allele, 1 heterozygote.
Comment: This variant is located in the BRCA1 protein. Splice site prediction tools predict that this variant may have a significant impact on RNA splicing. Although this prediction has not been confirmed in published RNA studies, this variant is expected to result in an absent or disrupted protein product. However, the naturally-occurring and functional alternative BRCA1 transcript lacking exons 8 and 9 is thought to ameliorate canonical splice site variants in exons 8 and 9 (PMID: 19892845, 27008870). To our knowledge, functional studies have not been reported for this variant. This variant has not been reported in individuals affected with BRCA1-related disorders in the literature. This variant has not been identified in the general population by the Genome Aggregation Database (gnomAD). The available evidence is insufficient to determine the role of this variant in disease conclusively. Therefore, this variant is classified as a Variant of Uncertain Significance.

This study involves interpretation of variants in research participants for the purpose of population health screening. Participant phenotype was not available at the time of variant classification. Additional details can be found in publication PMID: 35346344, PMCID: PMC8962531

Color Diagnostics, LLC DBA Color Health
Classification: Uncertain significance for Hereditary cancer-predisposing syndrome. Last evaluated: 2023-09-04. Review status: criteria provided, single submitter. Criteria: ACMG Guidelines, 2015. Collection method: clinical testing. Allele origin: germline.
Comment: This variant is located in the BRCA1 protein. Splice site prediction tools predict that this variant may have a significant impact on RNA splicing. Although this prediction has not been confirmed in published RNA studies, this variant is expected to result in an absent or disrupted protein product. However, the naturally-occurring and functional alternative BRCA1 transcript lacking exons 8 and 9 is thought to ameliorate canonical splice site variants in exons 8 and 9 (PMID: 19892845, 27008870). To our knowledge, functional studies have not been reported for this variant. This variant has not been reported in individuals affected with BRCA1-related disorders in the literature. This variant has not been identified in the general population by the Genome Aggregation Database (gnomAD). The available evidence is insufficient to determine the role of this variant in disease conclusively. Therefore, this variant is classified as a Variant of Uncertain Significance.

Women's Health and Genetics/Laboratory Corporation of America, LabCorp
Classification: Uncertain significance. Last evaluated: 2019-02-19. Review status: criteria provided, single submitter. Criteria: LabCorp Variant Classification Summary - May 2015. Collection method: clinical testing. Allele origin: germline.
Comment: Variant summary: The variant, BRCA1 c.670+3A>T alters a non-conserved nucleotide located close to a canonical splice site and therefore could affect mRNA splicing, leading to a significantly altered protein sequence. Several computational tools predict a significant impact on normal splicing: Three predict the variant abolishes a 5 splicing donor site. One predict the variant weakens a 5' donor site. One predict the variant no significant impact on splicing. However, these predictions have yet to be confirmed by functional studies. The variant was absent in 245414 control chromosomes (gnomAD). The available data on variant occurrences in the general population are insufficient to allow any conclusion about variant significance. To our knowledge, no occurrence of c.670+3A>T in individuals affected with Hereditary Breast and Ovarian Cancer and no experimental evidence demonstrating its impact on protein function have been reported. No clinical diagnostic laboratories have submitted clinical-significance assessments for this variant to ClinVar after 2014. Based on the evidence outlined above, the variant was classified as uncertain significance.

Literature cited by the submitters: PubMed 17576681 (cited by Labcorp Genetics (formerly Invitae), Labcorp); PubMed 9536098 (cited by Labcorp Genetics (formerly Invitae), Labcorp); PubMed 19892845 (cited by All of Us Research Program, National Institutes of Health and Color Diagnostics, LLC DBA Color Health); PubMed 27008870 (cited by All of Us Research Program, National Institutes of Health and Color Diagnostics, LLC DBA Color Health).

NM_007294.4(BRCA1):c.670+3A>T

Gene: BRCA1 (BRCA1 DNA repair associated; minus strand). Cytogenetic location: 17q21.31.
Variant type: single nucleotide variant.
Coding change: c.670+3A>T on transcript NM_007294.4 (MANE Select); 3 bases into the intron after coding-DNA position 670, A replaced by T.
Molecular consequence: intron variant.
Genome position (GRCh38, 1-based): chr17:43,095,843, T>A on the plus strand (A>T on the coding strand, the complement: BRCA1 is on the minus strand). VCF-style: chr17-43095843-T-A. GRCh37 (hg19) VCF-style: chr17-41247860-T-A.
Other names: c.529+3A>T (NM_001408458.1, NM_001408469.1, NM_001408453.1 and 43 more transcripts); c.-218-983A>T (NM_001407967.1, NM_001407966.1); c.289+3A>T (NM_001407959.1, NM_001408510.1, NM_001407963.1 and 1 more transcripts); c.404-983A>T (NM_001407931.1, NM_001407932.1, NM_001408503.1 and 5 more transcripts); c.526+3A>T (NM_001407747.1, NM_001408470.1, NM_001407848.1 and 26 more transcripts); c.286+3A>T (NM_001407962.1); c.167-983A>T (NM_001408512.1, NM_001407965.1); c.460+3A>T (NM_001407885.1, NM_001407886.1, NM_001407881.1 and 27 more transcripts); and 17 more.
Identifiers: ClinVar variation 631453 (VCV000631453.8), dbSNP rs1555593531, ClinGen allele CA913188930.
Genomic context (GRCh38, chr17:43,095,843, plus strand): 5'-TACAGTACTGTATCTACCCACTCTCTTTTCAGTGCCTGTTAAGTTGGCAAACTTTGCCAT[T>A]ACCCTTTTTTGCAGAATCCAAACTGATTTCATCCCTGGTTCCTTGAGGGGTGATTTGTAA-3'